The following is an entry in ClinVar:

NM_016955.4(SEPSECS):c.1026+1G>T

Gene: SEPSECS (Sep (O-phosphoserine) tRNA:Sec (selenocysteine) tRNA synthase; minus strand). Cytogenetic location: 4p15.2.
Variant type: single nucleotide variant.
Coding change: c.1026+1G>T on transcript NM_016955.4 (MANE Select); the canonical splice donor site of the intron after coding-DNA position 1026, G replaced by T.
Molecular consequence: splice donor variant.
Genome position (GRCh38, 1-based): chr4:25,144,773, C>A on the plus strand (G>T on the coding strand, the complement: SEPSECS is on the minus strand). VCF-style: chr4-25144773-C-A. GRCh37 (hg19) VCF-style: chr4-25146395-C-A.
Other names: c.1281+1G>T (NM_001410714.1).
Identifiers: ClinVar variation 1929588 (VCV001929588.5), dbSNP rs2474659952, ClinGen allele CA356536597.

ClinVar aggregate classification (germline): Likely pathogenic (1 of 4 stars; one submission).

Submission:

Labcorp Genetics (formerly Invitae), Labcorp
Classification: Likely pathogenic. Last evaluated: 2022-05-12. Review status: criteria provided, single submitter. Criteria: Invitae Variant Classification Sherloc (09022015). Collection method: clinical testing. Allele origin: germline.
Comment: In summary, the currently available evidence indicates that the variant is pathogenic, but additional data are needed to prove that conclusively. Therefore, this variant has been classified as Likely Pathogenic. Algorithms developed to predict the effect of sequence changes on RNA splicing suggest that this variant may disrupt the consensus splice site. This variant has not been reported in the literature in individuals affected with SEPSECS-related conditions. This variant is not present in population databases (gnomAD no frequency). This sequence change affects a donor splice site in intron 8 of the SEPSECS gene. It is expected to disrupt RNA splicing. Variants that disrupt the donor or acceptor splice site typically lead to a loss of protein function (PMID: 16199547), and loss-of-function variants in SEPSECS are known to be pathogenic (PMID: 25558065, 25590979, 26115735).

Literature cited by the submitters: PubMed 16199547; PubMed 25558065; PubMed 25590979; PubMed 26115735.